The following is an entry in ClinVar:

NM_032409.3(PINK1):c.218C>T (p.Ser73Leu)

Genes: MIR6084 (microRNA 6084; plus strand), PINK1 (PTEN induced kinase 1; plus strand). Cytogenetic location: 1p36.12.
Variant type: single nucleotide variant.
Coding change: c.218C>T on transcript NM_032409.3 (MANE Select); coding-DNA position 218, C replaced by T.
Protein change: p.Ser73Leu; replaces serine 73 with leucine.
Molecular consequence: missense variant. On other transcripts: non-coding transcript variant (1).
Genome position (GRCh38, 1-based): chr1:20,633,766, C>T. VCF-style: chr1-20633766-C-T. GRCh37 (hg19) VCF-style: chr1-20960259-C-T.
Other names: short protein forms S73L.
Identifiers: ClinVar variation 874873 (VCV000874873.6), dbSNP rs202048763, ClinGen allele CA660349.

ClinVar aggregate classification (germline): Uncertain significance. Review status: criteria provided, multiple submitters, no conflicts (2 of 4 stars). 2 submissions from 2 submitters: Uncertain significance (2). Last evaluated 2023-04-22.

Conditions:
Autosomal recessive early-onset Parkinson disease 6 (PARK6). Also called: PINK1-Related Parkinson Disease; PINK1 Type of Young-Onset Parkinson Disease; PARKINSON DISEASE 6, EARLY-ONSET; PARKINSON DISEASE 6, MODIFIER OF. Identifiers: Orphanet 2828, MedGen C1853833, MONDO:0011613, OMIM 605909.

Allele frequency attached by ClinVar (database versions not stated): gnomAD exomes 0.00016; ESP Exome Variant Server 0.00028; ExAC 0.00032; gnomAD 0.00065 and 0.00070; TOPMed 0.00070; 1000 Genomes Project 30x 0.00172; 1000 Genomes Project 0.00200.
gnomAD v4.1: 194 of 1,559,062 alleles (0.012%); highest among the groups gnomAD compares: African/African-American, 0.23%; no homozygotes.

Submissions (2):

Labcorp Genetics (formerly Invitae), Labcorp
Classification: Uncertain significance for Autosomal recessive early-onset Parkinson disease 6. Last evaluated: 2023-04-22. Review status: criteria provided, single submitter. Criteria: Invitae Variant Classification Sherloc (09022015). Collection method: clinical testing. Allele origin: germline.
Comment: In summary, the available evidence is currently insufficient to determine the role of this variant in disease. Therefore, it has been classified as a Variant of Uncertain Significance. An algorithm developed to predict the effect of missense changes on protein structure and function (PolyPhen-2) suggests that this variant is likely to be disruptive. ClinVar contains an entry for this variant (Variation ID: 874873). This variant has not been reported in the literature in individuals affected with PINK1-related conditions. This variant is present in population databases (rs202048763, gnomAD 0.2%). This sequence change replaces serine, which is neutral and polar, with leucine, which is neutral and non-polar, at codon 73 of the PINK1 protein (p.Ser73Leu).

Illumina Laboratory Services, Illumina
Classification: Uncertain significance for Autosomal recessive early-onset Parkinson disease 6. Last evaluated: 2018-01-13. Review status: criteria provided, single submitter. Criteria: ICSL Variant Classification Criteria 13 December 2019. Collection method: clinical testing. Allele origin: germline.